The following is an entry in ClinVar:

ClinVar aggregate classification (germline): Conflicting classifications of pathogenicity. Review status: criteria provided, conflicting classifications (1 of 4 stars). 2 submissions from 2 submitters: Uncertain significance (1); Benign (1). Last evaluated 2025-08-11.

Conditions:
Ehlers-Danlos syndrome, classic type, 1 (EDSCL1). Also called: Ehlers-Danlos syndrome, type 1; Ehlers-Danlos Syndrome, Classic Type, COL5A1-Related; EDS I; EHLERS-DANLOS SYNDROME, GRAVIS TYPE; EHLERS-DANLOS SYNDROME, SEVERE CLASSIC TYPE. Identifiers: MedGen C0268335, MONDO:0019567, OMIM 130000.

Allele frequency attached by ClinVar (database versions not stated): gnomAD 0.00004; TOPMed 0.00006.
gnomAD v4.1: 21 of 1,612,320 alleles (0.0013%); highest among the groups gnomAD compares: African/African-American, 0.008%; no homozygotes.

Submissions (2):

Labcorp Genetics (formerly Invitae), Labcorp
Classification: Benign for Ehlers-Danlos syndrome, classic type, 1. Last evaluated: 2025-08-11. Review status: criteria provided, single submitter. Criteria: Invitae Variant Classification Sherloc (09022015). Collection method: clinical testing. Allele origin: germline.

GeneDx
Classification: Uncertain significance. Last evaluated: 2024-06-12. Review status: criteria provided, single submitter. Criteria: GeneDx Variant Classification Process June 2021. Collection method: clinical testing. Allele origin: germline. Affected: yes.
Comment: Has not been previously published as pathogenic or benign to our knowledge; In silico analysis supports that this missense variant does not alter protein structure/function; Not located in the triple helical region, where the majority of pathogenic missense variants occur (PMID: 22696272; HGMD); This variant is associated with the following publications: (PMID: 22696272)

NM_000093.5(COL5A1):c.4942G>A (p.Asp1648Asn)

Genes: COL5A1 (collagen type V alpha 1 chain; plus strand), LOC101448202 (uncharacterized LOC101448202; minus strand). Cytogenetic location: 9q34.3.
Variant type: single nucleotide variant.
Coding change: c.4942G>A on transcript NM_000093.5 (MANE Select); coding-DNA position 4942, G replaced by A.
Protein change: p.Asp1648Asn; replaces aspartic acid 1648 with asparagine.
Molecular consequence: missense variant.
Genome position (GRCh38, 1-based): chr9:134,824,843, G>A. VCF-style: chr9-134824843-G-A. GRCh37 (hg19) VCF-style: chr9-137716689-G-A.
Other names: c.4942G>A, p.Asp1648Asn (NM_001278074.1); short protein forms D1648N.
Identifiers: ClinVar variation 856665 (VCV000856665.14), dbSNP rs771354369, ClinGen allele CA5320504.
Genomic context (GRCh38, chr9:134,824,843, plus strand): 5'-CCCCTGGGCACGCAGCAGAACCCCGCCCGCACCTGCAAGGACCTGCAGCTCTGCCACCCC[G>A]ACTTCCCAGATGGTGAGGGCCTGGGGGGGCAGGGGTGGCCCCCCAAAGCGGGCATGGACC-3'
Protein context (NP_000084.3, residues 1638-1658): TCKDLQLCHP[Asp1648Asn]FPDGEYWVDP